The following is an entry in ClinVar:

ClinVar aggregate classification (germline): Uncertain significance (1 of 4 stars; one submission).

Submission:

Dasa
Classification: Uncertain significance. Last evaluated: 2024-09-30. Review status: criteria provided, single submitter. Criteria: DASA Assertion Criteria. Collection method: clinical testing. Allele origin: germline.
Comment: NM_001318852.2(MAPK8IP3):c.1837C>T (p.Arg613Cys) is a missense variant that results in the substitution of arginine with cysteine. This variant is rare in population databases. Computational prediction algorithms are consistent with a benign effect. The currently available literature and clinical evidence are not sufficient to establish a definitive association between this variant and the reported condition. Therefore, this variant is classified as a variant of uncertain significance.

NM_001318852.2(MAPK8IP3):c.1837C>T (p.Arg613Cys)

Gene: MAPK8IP3 (mitogen-activated protein kinase 8 interacting protein 3; plus strand). Cytogenetic location: 16p13.3.
Variant type: single nucleotide variant.
Coding change: c.1837C>T on transcript NM_001318852.2 (MANE Select); coding-DNA position 1837, C replaced by T.
Protein change: p.Arg613Cys; replaces arginine 613 with cysteine.
Molecular consequence: missense variant.
Genome position (GRCh38, 1-based): chr16:1,762,945, C>T. VCF-style: chr16-1762945-C-T. GRCh37 (hg19) VCF-style: chr16-1812946-C-T.
Other names: c.1816C>T, p.Arg606Cys (NM_001040439.2); c.1834C>T, p.Arg612Cys (NM_015133.5); short protein forms R606C, R612C, R613C.
Identifiers: ClinVar variation 4880885 (VCV004880885.2).
Genomic context (GRCh38, chr16:1,762,945, plus strand): 5'-CCCTATCCCTCGGTGAACATCCACTACAAGTCACCCACCACTGCCGGCTTCAGCCAGCGC[C>T]GCAACCATGCCATGTGCCCGATCTCGGCAGGCAGCCGGCCCCTGGAATTCTTCCCTGACG-3'
Protein context (NP_001305781.1, residues 603-623): SPTTAGFSQR[Arg613Cys]NHAMCPISAG